The following is an entry in ClinVar:

NM_001385012.1(NBEA):c.7249G>A (p.Val2417Ile)

Gene: NBEA (neurobeachin; plus strand). Cytogenetic location: 13q13.3.
Variant type: single nucleotide variant.
Coding change: c.7249G>A on transcript NM_001385012.1 (MANE Select); coding-DNA position 7249, G replaced by A.
Protein change: p.Val2417Ile; replaces valine 2417 with isoleucine.
Molecular consequence: missense variant.
Genome position (GRCh38, 1-based): chr13:35,593,400, G>A. VCF-style: chr13-35593400-G-A. GRCh37 (hg19) VCF-style: chr13-36167537-G-A.
Other names: p.Val2417Ile; c.628G>A, p.Val210Ile (NM_001204197.3); c.7240G>A, p.Val2414Ile (NM_001379245.1); c.7249G>A, p.Val2417Ile (NM_015678.5); short protein forms V210I, V2417I, V2414I.
Identifiers: ClinVar variation 782574 (VCV000782574.30), dbSNP rs116439886, ClinGen allele CA6947726.

ClinVar aggregate classification (germline): Benign/Likely benign. Review status: criteria provided, multiple submitters, no conflicts (2 of 4 stars). 6 submissions from 6 submitters: Benign (2); Likely benign (3). 1 of the submissions does not count toward it. Last evaluated 2026-08-01.

Conditions:
NBEA-related disorder. Also called: NBEA-related condition.

Allele frequency attached by ClinVar (database versions not stated): gnomAD exomes 0.00109; ExAC 0.00131; 1000 Genomes Project 0.00280; 1000 Genomes Project 30x 0.00328; gnomAD 0.00434 and 0.00475; TOPMed 0.00493; ESP Exome Variant Server 0.00574.
gnomAD v4.1: 1,350 of 1,611,992 alleles (0.084%); highest among the groups gnomAD compares: African/African-American, 1.5%; 8 homozygotes.

Submissions (6):

CeGaT Center for Human Genetics Tuebingen
Classification: Likely benign. Last evaluated: 2026-08-01. Review status: criteria provided, single submitter. Criteria: CeGaT Center For Human Genetics Tuebingen Variant Classification Criteria Version 2. Collection method: clinical testing. Allele origin: germline. Affected: yes. Observed: 6 variant alleles.
Comment: NBEA: BP4, BS1

Mayo Clinic Laboratories, Mayo Clinic
Classification: Likely benign. Last evaluated: 2025-04-09. Review status: criteria provided, single submitter. Criteria: ACMG Guidelines, 2015. Collection method: clinical testing. Allele origin: germline. Observed: 2 variant alleles.
Comment: BS1, BP4_moderate, PP2

Blueprint Genetics
Classification: Likely benign. Last evaluated: 2024-07-19. Review status: criteria provided, single submitter. Criteria: ACMG Guidelines, 2015. Collection method: clinical testing. Allele origin: germline.

Labcorp Genetics (formerly Invitae), Labcorp
Classification: Benign. Last evaluated: 2019-12-31. Review status: criteria provided, single submitter. Criteria: Invitae Variant Classification Sherloc (09022015). Collection method: clinical testing. Allele origin: germline.

Breakthrough Genomics
Classification: Benign. Review status: criteria provided, single submitter. Criteria: ACMG Guidelines, 2015. Collection method: not provided. Allele origin: germline. Inheritance: Autosomal dominant inheritance. Affected: yes.

PreventionGenetics, part of Exact Sciences
Classification: Benign for NBEA-related condition. Last evaluated: 2022-03-01. Review status: no assertion criteria provided. Collection method: clinical testing. Allele origin: germline. Not counted in ClinVar's aggregate classification.
Comment: This variant is classified as benign based on ACMG/AMP sequence variant interpretation guidelines (Richards et al. 2015 PMID: 25741868, with internal and published modifications).